The following is an entry in ClinVar:

NM_005677.4(COLQ):c.54_57del (p.Ile20fs)

Gene: COLQ (collagen like tail subunit of asymmetric acetylcholinesterase; minus strand). Cytogenetic location: 3p25.1.
Variant type: Microsatellite.
Coding change: c.54_57del on transcript NM_005677.4 (MANE Select); coding-DNA positions 54 to 57, 4 bases deleted (CTCT; older notation c.54_57delCTCT).
Protein change: p.Ile20fs; shifts the reading frame from isoleucine 20.
Molecular consequence: frameshift variant.
Genome position (GRCh38, 1-based): chr3:15,521,569-15,521,572, AGAG deleted on the plus strand (CTCT on the coding strand, the reverse complement: COLQ is on the minus strand); deleting any 4 consecutive bases within chr3:15,521,569-15,521,574 gives the same sequence; the c. name uses the placement nearest the transcript's 3' end. VCF-style (leftmost placement, unchanged base first): chr3-15521568-TAGAG-T. GRCh37 (hg19) VCF-style: chr3-15563075-TAGAG-T.
Other names: c.54_57del, p.Ile20fs (NM_080539.4); short protein forms I20fs.
Identifiers: ClinVar variation 569887 (VCV000569887.9), dbSNP rs771879602, ClinGen allele CA70616918.

ClinVar aggregate classification (germline): Pathogenic/Likely pathogenic. Review status: criteria provided, multiple submitters, no conflicts (2 of 4 stars). 3 submissions from 3 submitters: Pathogenic (1); Likely pathogenic (2). Last evaluated 2025-12-06.

Conditions:
Congenital myasthenic syndrome 5. Identifiers: Orphanet 590, MedGen C1864233, MONDO:0011281, OMIM 603034.

Submissions (3):

Labcorp Genetics (formerly Invitae), Labcorp
Classification: Pathogenic for Congenital myasthenic syndrome 5. Last evaluated: 2025-12-06. Review status: criteria provided, single submitter. Criteria: Invitae Variant Classification Sherloc (09022015). Collection method: clinical testing. Allele origin: germline.
Comment: This sequence change creates a premature translational stop signal (p.Ile20Cysfs*34) in the COLQ gene. It is expected to result in an absent or disrupted protein product. Loss-of-function variants in COLQ are known to be pathogenic (PMID: 22678886). This variant is present in population databases (rs771879602, gnomAD 0.008%). This variant has not been reported in the literature in individuals affected with COLQ-related conditions. For these reasons, this variant has been classified as Pathogenic.

Fulgent Genetics
Classification: Likely pathogenic for Congenital myasthenic syndrome 5. Last evaluated: 2024-03-27. Review status: criteria provided, single submitter. Criteria: ACMG Guidelines, 2015. Collection method: clinical testing. Allele origin: germline.

Baylor Genetics
Classification: Likely pathogenic for Congenital myasthenic syndrome 5. Last evaluated: 2024-02-18. Review status: criteria provided, single submitter. Criteria: ACMG Guidelines, 2015. Collection method: clinical testing. Allele origin: unknown.

Literature cited by the submitters: PubMed 22678886 (cited by Labcorp Genetics (formerly Invitae), Labcorp).